The following is an entry in ClinVar:

NM_001367624.2(ZNF469):c.8402G>A (p.Gly2801Asp)

Gene: ZNF469 (zinc finger protein 469; plus strand). Cytogenetic location: 16q24.2.
Variant type: single nucleotide variant.
Coding change: c.8402G>A on transcript NM_001367624.2 (MANE Select); coding-DNA position 8402, G replaced by A.
Protein change: p.Gly2801Asp; replaces glycine 2801 with aspartic acid.
Molecular consequence: missense variant.
Genome position (GRCh38, 1-based): chr16:88,435,872, G>A. VCF-style: chr16-88435872-G-A. GRCh37 (hg19) VCF-style: chr16-88502280-G-A.
Other names: short protein forms G2801D.
Identifiers: ClinVar variation 3768838 (VCV003768838.1).
Genomic context (GRCh38, chr16:88,435,872, plus strand): 5'-CCCACAGCCGATCAGAGGAAGGTGTCTGGGAGGAGAACACGCCCCCCTTGGGCCCCCTGG[G>A]TTTTCCCGAGACTTCCAGCTCTCCGGCGGACAGCACCACCAGCAGCTGCCTCCAGGGCCT-3'
Protein context (NP_001354553.1, residues 2791-2811): EENTPPLGPL[Gly2801Asp]FPETSSSPAD

ClinVar aggregate classification (germline): Uncertain significance (1 of 4 stars; one submission).

gnomAD v4.1: 1 of 1,550,222 alleles (0.000065%); highest among the groups gnomAD compares: South Asian, 0.0012%; no homozygotes.

Submission:

Women's Health and Genetics/Laboratory Corporation of America, LabCorp
Classification: Uncertain significance. Last evaluated: 2025-02-24. Review status: criteria provided, single submitter. Criteria: LabCorp Variant Classification Summary - May 2015. Collection method: clinical testing. Allele origin: germline.
Comment: Variant summary: ZNF469 c.8402G>A (p.Gly2801Asp) results in a non-conservative amino acid change in the encoded protein sequence. Three of four in-silico tools predict a benign effect of the variant on protein function. The variant was absent in 153380 control chromosomes. The available data on variant occurrences in the general population are insufficient to allow any conclusion about variant significance. To our knowledge, no occurrence of c.8402G>A in individuals affected with Brittle cornea syndrome 1 and no experimental evidence demonstrating its impact on protein function have been reported. No submitters have cited clinical-significance assessments for this variant to ClinVar. Based on the evidence outlined above, the variant was classified as uncertain significance.